The following is an entry in ClinVar:

NM_052947.4(ALPK2):c.5572T>C (p.Cys1858Arg)

Gene: ALPK2 (alpha kinase 2; minus strand). Cytogenetic location: 18q21.31.
Variant type: single nucleotide variant.
Coding change: c.5572T>C on transcript NM_052947.4 (MANE Select); coding-DNA position 5572, T replaced by C.
Protein change: p.Cys1858Arg; replaces cysteine 1858 with arginine.
Molecular consequence: missense variant.
Genome position (GRCh38, 1-based): chr18:58,523,992, A>G on the plus strand (T>C on the coding strand, the complement: ALPK2 is on the minus strand). VCF-style: chr18-58523992-A-G. GRCh37 (hg19) VCF-style: chr18-56191224-A-G.
Other names: short protein forms C1858R.
Identifiers: ClinVar variation 2624500 (VCV002624500.2), dbSNP rs1277437566, ClinGen allele CA402551468.

ClinVar aggregate classification (germline): Uncertain significance (1 of 4 stars; one submission).

Allele frequency attached by ClinVar (database versions not stated): gnomAD 0.00001; TOPMed 0.00001.
gnomAD v4.1: 2 of 1,614,090 alleles (0.00012%); highest among the groups gnomAD compares: African/African-American, 0.0027%; no homozygotes.

Submission:

Ambry Genetics
Classification: Uncertain significance. Last evaluated: 2023-08-30. Review status: criteria provided, single submitter. Criteria: Ambry Variant Classification Scheme 2023. Collection method: clinical testing. Allele origin: germline.
Comment: The p.C1858R variant (also known as c.5572T>C), located in coding exon 6 of the ALPK2 gene, results from a T to C substitution at nucleotide position 5572. The cysteine at codon 1858 is replaced by arginine, an amino acid with highly dissimilar properties. This amino acid position is conserved. In addition, this alteration is predicted to be deleterious by in silico analysis. Since supporting evidence is limited at this time, the clinical significance of this alteration remains unclear.